The following is an entry in ClinVar:

NM_000070.3(CAPN3):c.503G>A (p.Trp168Ter)

Gene: CAPN3 (calpain 3; plus strand). Cytogenetic location: 15q15.1.
Variant type: single nucleotide variant.
Coding change: c.503G>A on transcript NM_000070.3 (MANE Select); coding-DNA position 503, G replaced by A.
Protein change: p.Trp168Ter; replaces tryptophan 168 with a stop codon.
Molecular consequence: nonsense.
Genome position (GRCh38, 1-based): chr15:42,387,757, G>A. VCF-style: chr15-42387757-G-A. GRCh37 (hg19) VCF-style: chr15-42679955-G-A.
Other names: c.503G>A, p.Trp168Ter (NM_024344.2, NM_173087.2); short protein forms W168*.
Identifiers: ClinVar variation 498205 (VCV000498205.16), dbSNP rs1555420462, ClinGen allele CA391997748.
Genomic context (GRCh38, chr15:42,387,757, plus strand): 5'-CACATTTCCTAACAGTAATTTGAGTATGTGACTCTGTGCGTGACGCTTCTGTGCAGTTCT[G>A]GCGCTATGGAGAGTGGGTGGACGTGGTTATAGATGACTGCCTGCCAACGTACAACAATCA-3'

ClinVar aggregate classification (germline): Pathogenic/Likely pathogenic. Review status: criteria provided, multiple submitters, no conflicts (2 of 4 stars). 6 submissions from 6 submitters: Pathogenic (2); Likely pathogenic (3). 1 of the submissions does not count toward it. Last evaluated 2025-12-11.

Conditions:
Muscular dystrophy, limb-girdle, autosomal dominant 4. Also called: MUSCULAR DYSTROPHY, LIMB-GIRDLE, TYPE 1I; Calpain-3-related limb-girdle muscular dystrophy D4. Identifiers: Orphanet 565909, MedGen C4748295, MONDO:0029133, OMIM 618129.
Autosomal recessive limb-girdle muscular dystrophy type 2A (LGMDR1). Also called: LEYDEN-MOEBIUS MUSCULAR DYSTROPHY; MUSCULAR DYSTROPHY, PELVOFEMORAL; Limb-girdle muscular dystrophy, type 2A; Calpainopathy; Muscular dystrophy, limb-girdle, type 2A, Amish. Identifiers: Orphanet 267, MedGen C1869123, MONDO:0009675, OMIM 253600. Disease mechanism: loss of function.

Submissions (6):

Labcorp Genetics (formerly Invitae), Labcorp
Classification: Pathogenic for Autosomal recessive limb-girdle muscular dystrophy type 2A. Last evaluated: 2025-12-11. Review status: criteria provided, single submitter. Criteria: Invitae Variant Classification Sherloc (09022015). Collection method: clinical testing. Allele origin: germline.
Comment: This sequence change creates a premature translational stop signal (p.Trp168*) in the CAPN3 gene. It is expected to result in an absent or disrupted protein product. Loss-of-function variants in CAPN3 are known to be pathogenic (PMID: 10330340, 15689361). This variant is not present in population databases (gnomAD no frequency). This variant has not been reported in the literature in individuals affected with CAPN3-related conditions. ClinVar contains an entry for this variant (Variation ID: 498205). For these reasons, this variant has been classified as Pathogenic.

Fulgent Genetics
Classification: Likely pathogenic for Autosomal recessive limb-girdle muscular dystrophy type 2A; Muscular dystrophy, limb-girdle, autosomal dominant 4. Last evaluated: 2024-05-22. Review status: criteria provided, single submitter. Criteria: ACMG Guidelines, 2015. Collection method: clinical testing. Allele origin: germline.

Revvity Omics, Revvity
Classification: Likely pathogenic. Last evaluated: 2024-03-21. Review status: criteria provided, single submitter. Criteria: ACMG Guidelines, 2015. Collection method: clinical testing. Allele origin: germline.

Baylor Genetics
Classification: Likely pathogenic for Muscular dystrophy, limb-girdle, autosomal dominant 4. Last evaluated: 2022-09-17. Review status: criteria provided, single submitter. Criteria: ACMG Guidelines, 2015. Collection method: clinical testing. Allele origin: unknown.

Eurofins Ntd Llc (ga)
Classification: Pathogenic. Last evaluated: 2016-10-26. Review status: criteria provided, single submitter. Criteria: EGL Classification Definitions 2015. Collection method: clinical testing. Allele origin: germline. Observed: 1 variant allele, 1 heterozygote.

Counsyl
Classification: Likely pathogenic for Autosomal recessive limb-girdle muscular dystrophy type 2A. Last evaluated: 2018-05-16. Review status: no assertion criteria provided. Collection method: clinical testing. Allele origin: unknown. Not counted in ClinVar's aggregate classification.

Literature cited by the submitters: PubMed 10330340 (cited by Labcorp Genetics (formerly Invitae), Labcorp); PubMed 15689361 (cited by Labcorp Genetics (formerly Invitae), Labcorp).